The following is an entry in ClinVar:

NM_198569.3(ADGRG6):c.2457G>A (p.Thr819=)

Gene: ADGRG6 (adhesion G protein-coupled receptor G6; plus strand). Cytogenetic location: 6q24.2.
Variant type: single nucleotide variant.
Coding change: c.2457G>A on transcript NM_198569.3 (MANE Select); coding-DNA position 2457, G replaced by A.
Protein change: p.Thr819=; no amino-acid change (threonine 819 retained).
Molecular consequence: synonymous variant.
Genome position (GRCh38, 1-based): chr6:142,411,327, G>A. VCF-style: chr6-142411327-G-A. GRCh37 (hg19) VCF-style: chr6-142732464-G-A.
Other names: c.2373G>A, p.Thr791= (NM_001032394.3, NM_001032395.3); c.2457G>A, p.Thr819= (NM_020455.6).
Identifiers: ClinVar variation 3055310 (VCV003055310.2), dbSNP rs371011778, ClinGen allele CA4027180.
Genomic context (GRCh38, chr6:142,411,327, plus strand): 5'-CCTGCTGTTTTCACACTGTTTGTTGATTCCTTCAACAGAAAGTTTTGGAGGATGGAACAC[G>A]TCAGGATGTGTTGCACACAGAGATTCAGATGCAAGTGAGACAGTCTGCCTGTGTAACCAC-3'
Protein context (NP_940971.2, residues 809-829): NKNKSFGGWN[Thr819=]SGCVAHRDSD

ClinVar aggregate classification (germline): Likely benign (0 of 4 stars; one submission).

Conditions:
ADGRG6-related disorder. Also called: ADGRG6-related condition.

Allele frequency attached by ClinVar (database versions not stated): ESP Exome Variant Server 0.00008; 1000 Genomes Project 0.00020; 1000 Genomes Project 30x 0.00031.
gnomAD v4.1: 69 of 1,603,146 alleles (0.0043%); highest among the groups gnomAD compares: Admixed American, 0.06%; 1 homozygote.

Submission:

PreventionGenetics, part of Exact Sciences
Classification: Likely benign for ADGRG6-related condition. Last evaluated: 2019-04-30. Review status: no assertion criteria provided. Collection method: clinical testing. Allele origin: germline.
Comment: This variant is classified as likely benign based on ACMG/AMP sequence variant interpretation guidelines (Richards et al. 2015 PMID: 25741868, with internal and published modifications).